The following is an entry in ClinVar:

NM_004036.5(ADCY3):c.1533+7_1533+8insG

Gene: ADCY3 (adenylate cyclase 3; minus strand). Cytogenetic location: 2p23.3.
Variant type: Insertion.
Coding change: c.1533+7_1533+8insG on transcript NM_004036.5 (MANE Select); bases 7 to 8 of the intron after coding-DNA position 1533, G inserted.
Molecular consequence: intron variant.
Genome position: GRCh38 VCF-style: chr2-24838437-G-GC. GRCh37 (hg19) VCF-style: chr2-25061306-G-GC.
Other names: c.1533+7_1533+8insG (NM_001377130.1, NM_001377129.1, NM_001320613.2 and 1 more transcripts); c.1599+7_1599+8insG (NM_001377128.1); c.810+7_810+8insG (NM_001377131.1).
Identifiers: ClinVar variation 3353041 (VCV003353041.1).

ClinVar aggregate classification (germline): Likely benign (0 of 4 stars; one submission).

Conditions:
ADCY3-related disorder. Also called: ADCY3-related condition.

Submission:

PreventionGenetics, part of Exact Sciences
Classification: Likely benign for ADCY3-related condition. Last evaluated: 2021-08-10. Review status: no assertion criteria provided. Collection method: clinical testing. Allele origin: germline.
Comment: This variant is classified as likely benign based on ACMG/AMP sequence variant interpretation guidelines (Richards et al. 2015 PMID: 25741868, with internal and published modifications).